The following is an entry in ClinVar:

ClinVar aggregate classification (germline): Benign (1 of 4 stars; one submission).

Conditions:
Renal carnitine transport defect (CDSP). Also called: Carnitine transporter deficiency; Carnitine Deficiency, Systemic; Primary carnitine deficiency; Systemic primary carnitine deficiency; CARNITINE DEFICIENCY, SYSTEMIC, DUE TO DEFECT IN RENAL REABSORPTION OF CARNITINE; CARNITINE TRANSPORTER, PLASMA-MEMBRANE, DEFICIENCY OF. Identifiers: Orphanet 158, MedGen C0342788, MONDO:0008919, OMIM 212140.

Allele frequency attached by ClinVar (database versions not stated): gnomAD 0.00165 and 0.00207; gnomAD exomes 0.00190; TOPMed 0.00243; 1000 Genomes Project 0.00899; 1000 Genomes Project 30x 0.01077.

Submission:

Illumina Laboratory Services, Illumina
Classification: Benign for Renal carnitine transport defect. Last evaluated: 2017-04-27. Review status: criteria provided, single submitter. Criteria: ICSL Variant Classification Criteria 13 December 2019. Collection method: clinical testing. Allele origin: germline.
Comment: This variant was observed as part of a predisposition screen in an ostensibly healthy population. A literature search was performed for the gene, cDNA change, and amino acid change (where applicable). Publications were found based on this search. The evidence from the literature, in combination with allele frequency data from public databases where available, was sufficient to rule this variant out of causing disease. Therefore, this variant is classified as benign.

Literature cited by the submitters: PubMed 19141711.

NM_003060.4(SLC22A5):c.-234C>G

Genes: MIR3936HG (MIR3936 host gene; minus strand), SLC22A5 (solute carrier family 22 member 5; plus strand), LOC129994569 (ATAC-STARR-seq lymphoblastoid silent region 16317; plus strand). Cytogenetic location: 5q31.1.
Variant type: single nucleotide variant.
Coding change: c.-234C>G on transcript NM_003060.4 (MANE Select); 234 bases upstream of the start codon, C replaced by G.
Molecular consequence: 5 prime UTR variant.
Genome position (GRCh38, 1-based): chr5:132,369,739, C>G. VCF-style: chr5-132369739-C-G. GRCh37 (hg19) VCF-style: chr5-131705431-C-G.
Other names: c.-234C>G (NM_001308122.2).
Identifiers: ClinVar variation 904881 (VCV000904881.4), dbSNP rs4646300, ClinGen allele CA127195781.